The following is an entry in ClinVar:

NC_000013.11:g.20193010T>C

Gene: GJB2 (gap junction protein beta 2; minus strand). Cytogenetic location: 13q12.11.
Variant type: single nucleotide variant.
Genome position: GRCh38 VCF-style: chr13-20193010-T-C. GRCh37 (hg19) VCF-style: chr13-20767149-T-C.
Identifiers: ClinVar variation 4983803 (VCV004983803.1).

ClinVar aggregate classification (germline): Likely benign (1 of 4 stars; one submission).

Conditions:
GJB2-related disorder. Also called: GJB2-related condition; GJB2-related disorders. Identifiers: MedGen CN382183, MONDO:1060236.

Submission:

PreventionGenetics, part of Exact Sciences
Classification: Likely benign for GJB2-related condition. Last evaluated: 2025-10-11. Review status: criteria provided, single submitter. Criteria: ACMG Guidelines, 2015. Collection method: clinical testing. Allele origin: germline.
Comment: This variant is classified as likely benign based on ACMG/AMP sequence variant interpretation guidelines (Richards et al. 2015 PMID: 25741868, with internal and published modifications).